The following is an entry in ClinVar:

NM_020937.4(FANCM):c.3218A>G (p.Asn1073Ser)

Gene: FANCM (FA complementation group M; plus strand). Cytogenetic location: 14q21.2.
Variant type: single nucleotide variant.
Coding change: c.3218A>G on transcript NM_020937.4 (MANE Select); coding-DNA position 3218, A replaced by G.
Protein change: p.Asn1073Ser; replaces asparagine 1073 with serine.
Molecular consequence: missense variant.
Genome position (GRCh38, 1-based): chr14:45,175,972, A>G. VCF-style: chr14-45175972-A-G. GRCh37 (hg19) VCF-style: chr14-45645175-A-G.
Other names: c.3140A>G, p.Asn1047Ser (NM_001308133.2); short protein forms N1073S, N1047S.
Identifiers: ClinVar variation 1034706 (VCV001034706.8), dbSNP rs1888660531, ClinGen allele CA389600394.

ClinVar aggregate classification (germline): Uncertain significance (1 of 4 stars; one submission).

Conditions:
Fanconi anemia (FA). Also called: Fanconi's anemia. Identifiers: Orphanet 84, MedGen C0015625, MeSH D005199, MONDO:0019391.

Submission:

Labcorp Genetics (formerly Invitae), Labcorp
Classification: Uncertain significance for Fanconi anemia. Last evaluated: 2020-10-25. Review status: criteria provided, single submitter. Criteria: Invitae Variant Classification Sherloc (09022015). Collection method: clinical testing. Allele origin: germline.
Comment: This sequence change replaces asparagine with serine at codon 1073 of the FANCM protein (p.Asn1073Ser). The asparagine residue is weakly conserved and there is a small physicochemical difference between asparagine and serine. This variant is not present in population databases (ExAC no frequency). This variant has not been reported in the literature in individuals with FANCM-related conditions. Algorithms developed to predict the effect of missense changes on protein structure and function (SIFT, PolyPhen-2, Align-GVGD) all suggest that this variant is likely to be tolerated, but these predictions have not been confirmed by published functional studies and their clinical significance is uncertain. Algorithms developed to predict the effect of sequence changes on RNA splicing suggest that this variant may create or strengthen a splice site, but this prediction has not been confirmed by published transcriptional studies. In summary, the available evidence is currently insufficient to determine the role of this variant in disease. Therefore, it has been classified as a Variant of Uncertain Significance.